The following is an entry in ClinVar:

NM_004704.5(RRP9):c.712A>C (p.Thr238Pro)

Gene: RRP9 (ribosomal RNA processing 9, U3 small nucleolar RNA binding protein; minus strand). Cytogenetic location: 3p21.2.
Variant type: single nucleotide variant.
Coding change: c.712A>C on transcript NM_004704.5 (MANE Select); coding-DNA position 712, A replaced by C.
Protein change: p.Thr238Pro; replaces threonine 238 with proline.
Molecular consequence: missense variant.
Genome position (GRCh38, 1-based): chr3:51,936,280, T>G on the plus strand (A>C on the coding strand, the complement: RRP9 is on the minus strand). VCF-style: chr3-51936280-T-G. GRCh37 (hg19) VCF-style: chr3-51970296-T-G.
Other names: short protein forms T238P.
Identifiers: ClinVar variation 2653873 (VCV002653873.24), dbSNP rs115426717, ClinGen allele CA2426333.

ClinVar aggregate classification (germline): Likely benign (1 of 4 stars; one submission).

Allele frequency attached by ClinVar (database versions not stated): 1000 Genomes Project 30x 0.00437; ExAC 0.00742; gnomAD 0.00773; ESP Exome Variant Server 0.00838; 1000 Genomes Project 0.00419.

Submission:

CeGaT Center for Human Genetics Tuebingen
Classification: Likely benign. Last evaluated: 2022-11-01. Review status: criteria provided, single submitter. Criteria: CeGaT Center For Human Genetics Tuebingen Variant Classification Criteria Version 2. Collection method: clinical testing. Allele origin: germline. Affected: yes. Observed: 1 variant allele.
Comment: RRP9: BP4, BS2